The following is an entry in ClinVar:

ClinVar aggregate classification (germline): Likely pathogenic (1 of 4 stars; one submission).

Conditions:
Autosomal recessive spinocerebellar ataxia 10. Identifiers: Orphanet 284289, MedGen C3150998, MONDO:0013392, OMIM 613728.

gnomAD v4.1: 1 of 1,613,060 alleles (0.000062%); highest among the groups gnomAD compares: East Asian, 0.0022%; no homozygotes.

Submission:

Juno Genomics, Hangzhou Juno Genomics, Inc
Classification: Likely pathogenic for Autosomal recessive spinocerebellar ataxia 10. Review status: criteria provided, single submitter. Criteria: ACMG Guidelines, 2015. Collection method: clinical testing. Allele origin: germline.
Comment: Null variant in a gene where loss of function (LOF) is a known mechanism of disease.;Absent from controls (or at extremely low frequency if recessive) in Genome Aggregation Database.

NM_018075.5(ANO10):c.1163-2A>G

Gene: ANO10 (anoctamin 10; minus strand). Cytogenetic location: 3p22.1.
Variant type: single nucleotide variant.
Coding change: c.1163-2A>G on transcript NM_018075.5 (MANE Select); the canonical splice acceptor site of the intron before coding-DNA position 1163, A replaced by G.
Molecular consequence: splice acceptor variant.
Genome position (GRCh38, 1-based): chr3:43,574,866, T>C on the plus strand (A>G on the coding strand, the complement: ANO10 is on the minus strand). VCF-style: chr3-43574866-T-C. GRCh37 (hg19) VCF-style: chr3-43616358-T-C.
Other names: c.965-2A>G (NM_001346469.2, NM_001204832.3, NM_001346466.2); c.1163-2A>G (NM_001346468.2, NM_001346465.2, NM_001204831.3 and 3 more transcripts); c.830-2A>G (NM_001204833.3); c.593-2A>G (NM_001204834.3).
Identifiers: ClinVar variation 5006617 (VCV005006617.2).
Genomic context (GRCh38, chr3:43,574,866, plus strand): 5'-TACCACTAAAACTTTCAGAATTAGATGGTTCTGATAGGCAGATTCCAATCTGTGATTCTC[T>C]AAAACATTAAAACACACAGGTAACTTCTCAGTAAGAAAACAATACGAAAGCACTGTTATG-3'